The following is an entry in ClinVar:

NM_014254.3(RXYLT1):c.398_402del (p.Gly133fs)

Gene: RXYLT1 (ribitol xylosyltransferase 1; plus strand). Cytogenetic location: 12q14.2.
Variant type: Deletion.
Coding change: c.398_402del on transcript NM_014254.3 (MANE Select); coding-DNA positions 398 to 402, 5 bases deleted (GAAAG; older notation c.398_402delGAAAG).
Protein change: p.Gly133fs; shifts the reading frame from glycine 133.
Molecular consequence: frameshift variant. On other transcripts: 5 prime UTR variant (1).
Genome position (GRCh38, 1-based): chr12:63,785,042-63,785,046, GAAAG deleted; deleting any 5 consecutive bases within chr12:63,785,039-63,785,046 gives the same sequence; the c. name uses the placement nearest the transcript's 3' end. VCF-style (leftmost placement, unchanged base first): chr12-63785038-GAAGGA-G. GRCh37 (hg19) VCF-style: chr12-64178818-GAAGGA-G.
Other names: c.-383_-379del (NM_001278237.2); short protein forms G133fs.
Identifiers: ClinVar variation 2147254 (VCV002147254.4), dbSNP rs1474878249, ClinGen allele CA690882076.

ClinVar aggregate classification (germline): Pathogenic (1 of 4 stars; one submission).

Submission:

Labcorp Genetics (formerly Invitae), Labcorp
Classification: Pathogenic. Last evaluated: 2022-06-04. Review status: criteria provided, single submitter. Criteria: Invitae Variant Classification Sherloc (09022015). Collection method: clinical testing. Allele origin: germline.
Comment: This sequence change creates a premature translational stop signal (p.Gly133Valfs*24) in the RXYLT1 gene. It is expected to result in an absent or disrupted protein product. Loss-of-function variants in RXYLT1 are known to be pathogenic (PMID: 23217329, 23519211, 31742715). This variant is not present in population databases (gnomAD no frequency). This variant has not been reported in the literature in individuals affected with RXYLT1-related conditions. For these reasons, this variant has been classified as Pathogenic.

Literature cited by the submitters: PubMed 23217329; PubMed 23519211; PubMed 31742715.